The following is an entry in ClinVar:

NM_001080517.3(SETD5):c.1852C>T (p.Arg618Ter)

Gene: SETD5 (SET domain containing 5; plus strand). Cytogenetic location: 3p25.3.
Variant type: single nucleotide variant.
Coding change: c.1852C>T on transcript NM_001080517.3 (MANE Select); coding-DNA position 1852, C replaced by T.
Protein change: p.Arg618Ter; replaces arginine 618 with a stop codon.
Molecular consequence: nonsense.
Genome position (GRCh38, 1-based): chr3:9,447,755, C>T. VCF-style: chr3-9447755-C-T. GRCh37 (hg19) VCF-style: chr3-9489439-C-T.
Other names: c.1558C>T, p.Arg520Ter (NM_001292043.2, NM_001349451.2); short protein forms R618*, R520*.
Identifiers: ClinVar variation 489332 (VCV000489332.11), dbSNP rs1218918142, ClinGen allele CA351697162.
Genomic context (GRCh38, chr3:9,447,755, plus strand): 5'-GCAGAAAAACTAGTCCCCAAGCCACCTCCAGCAAAGCCTTCTAGGCCCCGGCCGAAGAGT[C>T]GAATTTCTCGGTACAGGACCAGTTCAGCCCAAAGACTAAAGCGTCAGAAGCAGGCCAATG-3'

ClinVar aggregate classification (germline): Pathogenic. Review status: criteria provided, multiple submitters, no conflicts (2 of 4 stars). 6 submissions from 6 submitters: Pathogenic (6). Last evaluated 2025-10-01.

Conditions:
Intellectual disability-facial dysmorphism syndrome due to SETD5 haploinsufficiency (MRD23). Also called: Intellectual developmental disorder, autosomal dominant 23. Identifiers: Orphanet 404440, MedGen C3810406, MONDO:0014336, OMIM 615761.

Submissions (6):

Variantyx, Inc.
Classification: Pathogenic for Intellectual disability-facial dysmorphism syndrome due to SETD5 haploinsufficiency. Last evaluated: 2025-10-01. Review status: criteria provided, single submitter. Criteria: Variantyx Assertion Criteria 2022. Collection method: clinical testing. Allele origin: de novo. Inheritance: Autosomal dominant inheritance. Affected: yes.
Comment: This is a nonsense variant in the SETD5 gene (OMIM: 615743). Pathogenic variants in this gene have been associated with autosomal dominant intellectual developmental disorder 23. The alteration introduces a premature termination codon in exon 15 out of 23 and is expected to result in loss of function, which is a known disease mechanism for SETD5 in this disorder (PMID: 24680889) (PVS1). This variant is absent from control populations (PM2), while it has been reported in the heterozygous state in at least 2 unrelated affected individuals (PMID: 35982159, 31337854). Based on the current evidence, this variant is classified as pathogenic for autosomal dominant intellectual developmental disorder 23.

GeneDx
Classification: Pathogenic. Last evaluated: 2024-08-25. Review status: criteria provided, single submitter. Criteria: GeneDx Variant Classification Process June 2021. Collection method: clinical testing. Allele origin: germline. Affected: yes.
Comment: Nonsense variant predicted to result in protein truncation or nonsense mediated decay in a gene for which loss of function is a known mechanism of disease; Not observed at significant frequency in large population cohorts (gnomAD); This variant is associated with the following publications: (PMID: 33057194, 35982159, 31337854)

3billion
Classification: Pathogenic for Intellectual disability-facial dysmorphism syndrome due to SETD5 haploinsufficiency. Last evaluated: 2024-02-15. Review status: criteria provided, single submitter. Criteria: ACMG Guidelines, 2015. Collection method: clinical testing. Allele origin: germline. Affected: yes.
Comment: The variant is not observed in the gnomAD v2.1.1 dataset. Predicted Consequence/Location: Stop-gained (nonsense): predicted to result in a loss or disruption of normal protein function through nonsense-mediated decay (NMD) or protein truncation. Multiple pathogenic variants are reported downstream of the variant. The variant has been previously reported as de novo in a similarly affected individual (PMID: 31337854). The variant has been reported at least twice as pathogenic with clinical assertions and evidence for the classification (ClinVar ID: VCV000489332 /PMID: 31337854). Therefore, this variant is classified as Pathogenic according to the recommendation of ACMG/AMP guideline.

Victorian Clinical Genetics Services, Murdoch Childrens Research Institute
Classification: Pathogenic for Intellectual disability-facial dysmorphism syndrome due to SETD5 haploinsufficiency. Last evaluated: 2022-03-31. Review status: criteria provided, single submitter. Criteria: ACMG Guidelines, 2015. Collection method: clinical testing. Allele origin: germline. Inheritance: Autosomal dominant inheritance. Affected: yes.
Comment: Based on the classification scheme VCGS_Germline_v1.3.4, this variant is classified as Pathogenic. Following criteria are met: 0102 - Loss of function is a known mechanism of disease in this gene and is associated with SETD5-related disorder (MIM#615761). (I) 0107 - This gene is associated with autosomal dominant disease. (I) 0201 - Variant is predicted to cause nonsense-mediated decay (NMD) and loss of protein (premature termination codon is located at least 54 nucleotides upstream of the final exon-exon junction). (SP) 0251 - This variant is heterozygous. (I) 0301 - Variant is absent from gnomAD (both v2 and v3). (SP) 0701 - Other NMD-predicted variants comparable to the one identified in this case have very strong previous evidence for pathogenicity. These variants have been reported many times as pathogenic (DECIPHER). (SP) 0802 - This variant has moderate previous evidence of pathogenicity in unrelated individuals. This variant has been classified as pathogenic, and observed in a de novo individual with suspected Cornelia de Lange syndrome (ClinVar, LOVD, PMID: 31337854). (SP) 0905 - No published segregation evidence has been identified for this variant. (I) 1007 - No published functional evidence has been identified for this variant. (SP) Legend: (SP) - Supporting pathogenic, (I) - Information, (SB) - Supporting benign

Institute for Genomic Statistics and Bioinformatics, University Hospital Bonn
Classification: Pathogenic for Intellectual disability-facial dysmorphism syndrome due to SETD5 haploinsufficiency. Last evaluated: 2022-03-09. Review status: criteria provided, single submitter. Criteria: ACMG Guidelines, 2015. Collection method: clinical testing. Allele origin: germline. Inheritance: Autosomal dominant inheritance. Affected: yes. Observed: 1 heterozygote.

Institute of Human Genetics, University Hospital of Duesseldorf
Classification: Pathogenic for Intellectual disability-facial dysmorphism syndrome due to SETD5 haploinsufficiency. Review status: criteria provided, single submitter. Criteria: ACMG Guidelines, 2015. Collection method: not provided. Allele origin: germline. Inheritance: Autosomal dominant inheritance. Affected: yes.

Literature cited by the submitters: PubMed 24680889 (cited by Variantyx, Inc.); PubMed 31337854 (cited by 3 submitters).